The following is an entry in ClinVar:

ClinVar aggregate classification (germline): Likely pathogenic. Review status: criteria provided, multiple submitters, no conflicts (2 of 4 stars). 2 submissions from 2 submitters: Likely pathogenic (2). Last evaluated 2025-10-31.

Conditions:
Polycystic kidney disease 3 with or without polycystic liver disease. Also called: POLYCYSTIC KIDNEY DISEASE, ADULT, TYPE III; Polycystic kidney disease 3; Polycystic Kidney and/or Polycystic Liver Disease 3. Identifiers: MedGen C3887964, MONDO:0010916, OMIM 600666.

Submissions (2):

Department of Human Genetics, Hannover Medical School
Classification: Likely pathogenic for Polycystic kidney disease 3 with or without polycystic liver disease. Last evaluated: 2025-10-31. Review status: criteria provided, single submitter. Criteria: ACMG Guidelines, 2015. Collection method: clinical testing. Allele origin: germline. Affected: yes.
Comment: PVS1, PM2_Supporting

MVZ Medizinische Genetik Mainz
Classification: Likely pathogenic for Polycystic kidney disease 3 with or without polycystic liver disease. Last evaluated: 2024-06-18. Review status: criteria provided, single submitter. Criteria: UK Practice Guidelines For Variant Classification V4 01 2020. Collection method: clinical testing. Allele origin: germline. Inheritance: Autosomal dominant inheritance. Affected: yes. Observed: 2 variant alleles.
Comment: ACMG Criteria: PVS1,PM2_SUP

NM_198334.3(GANAB):c.842dup (p.Asn281fs)

Gene: GANAB (glucosidase II alpha subunit; minus strand). Cytogenetic location: 11q12.3.
Variant type: Duplication.
Coding change: c.842dup on transcript NM_198334.3 (MANE Select); coding-DNA position 842, one base duplicated (A; older notation c.842dupA).
Protein change: p.Asn281fs; shifts the reading frame from asparagine 281.
Molecular consequence: frameshift variant.
Genome position (GRCh38, 1-based): chr11:62,632,719, T duplicated on the plus strand (A on the coding strand, the reverse complement: GANAB is on the minus strand); the first of 2 consecutive T bases (chr11:62,632,719-62,632,720); duplicating either gives the same sequence. VCF-style (leftmost placement, unchanged base first): chr11-62632718-A-AT. GRCh37 (hg19) VCF-style: chr11-62400190-A-AT.
Other names: c.566dup, p.Asn189fs (NM_001278192.2); c.500dup, p.Asn167fs (NM_001278193.2); c.551dup, p.Asn184fs (NM_001278194.2, NM_001329222.2, NM_001329223.2); c.119dup, p.Asn40fs (NM_001329224.2, NM_001329225.2); c.908dup, p.Asn303fs (NM_198335.4); short protein forms N167fs, N184fs, N189fs, N281fs, N303fs, N40fs.
Identifiers: ClinVar variation 3256692 (VCV003256692.2).
Genomic context (GRCh38, chr11:62,632,718, plus strand): 5'-CACAGGCACAGACCCATACAAGGCCATTGGGTTGTACAGCTCATACTGGAACACATCCAA[A>AT]TTGTAGAGGCGATATGGCTCCCCACCCCTGCAGGCAAACAGACAGACTTGGGCTGCTAAC-3'